The following is an entry in ClinVar:

ClinVar aggregate classification (germline): Uncertain significance (1 of 4 stars; one submission).

Conditions:
Immunodeficiency. Identifiers: MedGen C0021051, MONDO:0021094, HP:0002721.

Submission:

Labcorp Genetics (formerly Invitae), Labcorp
Classification: Uncertain significance for Immunodeficiency. Last evaluated: 2019-12-13. Review status: criteria provided, single submitter. Criteria: Invitae Variant Classification Sherloc (09022015). Collection method: clinical testing. Allele origin: germline.
Comment: In summary, the available evidence is currently insufficient to determine the role of this variant in disease. Therefore, it has been classified as a Variant of Uncertain Significance. Algorithms developed to predict the effect of missense changes on protein structure and function are either unavailable or do not agree on the potential impact of this missense change (SIFT: "Tolerated"; PolyPhen-2: "Possibly Damaging"; Align-GVGD: "Class C0"). This variant has not been reported in the literature in individuals with NFAT5-related conditions. This variant is not present in population databases (ExAC no frequency). This sequence change replaces serine with arginine at codon 693 of the NFAT5 protein (p.Ser693Arg). The serine residue is moderately conserved and there is a moderate physicochemical difference between serine and arginine.

NM_138713.4(NFAT5):c.2361T>G (p.Ser787Arg)

Gene: NFAT5 (nuclear factor of activated T cells 5; plus strand). Cytogenetic location: 16q22.1.
Variant type: single nucleotide variant.
Coding change: c.2361T>G on transcript NM_138713.4 (MANE Select); coding-DNA position 2361, T replaced by G.
Protein change: p.Ser787Arg; replaces serine 787 with arginine.
Molecular consequence: missense variant.
Genome position (GRCh38, 1-based): chr16:69,692,186, T>G. VCF-style: chr16-69692186-T-G. GRCh37 (hg19) VCF-style: chr16-69726089-T-G.
Other names: c.2358T>G, p.Ser786Arg (NM_001113178.3); c.1686T>G, p.Ser562Arg (NM_001367709.1); c.2307T>G, p.Ser769Arg (NM_006599.4); c.2079T>G, p.Ser693Arg (NM_138714.4, NM_173214.3, NM_173215.3); short protein forms S562R, S769R, S786R, S787R, S693R.
Identifiers: ClinVar variation 856008 (VCV000856008.9), dbSNP rs2037574787, ClinGen allele CA396508797.